The following is an entry in ClinVar:

NM_004304.5(ALK):c.3037G>T (p.Val1013Leu)

Gene: ALK (ALK receptor tyrosine kinase; minus strand). Cytogenetic location: 2p23.2.
Variant type: single nucleotide variant.
Coding change: c.3037G>T on transcript NM_004304.5 (MANE Select); coding-DNA position 3037, G replaced by T.
Protein change: p.Val1013Leu; replaces valine 1013 with leucine.
Molecular consequence: missense variant.
Genome position (GRCh38, 1-based): chr2:29,226,952, C>A on the plus strand (G>T on the coding strand, the complement: ALK is on the minus strand). VCF-style: chr2-29226952-C-A. GRCh37 (hg19) VCF-style: chr2-29449818-C-A.
Other names: c.3037G>T (NM_004304.4); short protein forms V1013L.
Identifiers: ClinVar variation 1986549 (VCV001986549.5), dbSNP rs776510871, ClinGen allele CA44634310.

ClinVar aggregate classification (germline): Uncertain significance. Review status: criteria provided, multiple submitters, no conflicts (2 of 4 stars). 2 submissions from 2 submitters: Uncertain significance (2). Last evaluated 2025-07-10.

Conditions:
Hereditary cancer-predisposing syndrome. Also called: Hereditary Cancer Syndrome; Neoplastic Syndromes, Hereditary; Hereditary neoplastic syndrome; Tumor predisposition. Identifiers: Orphanet 140162, MedGen C0027672, MeSH D009386, MONDO:0015356.
Neuroblastoma, susceptibility to, 3. Also called: ALK-Related Neuroblastic Tumor Susceptibility. Identifiers: Orphanet 635, MedGen C2751681, MONDO:0013083, OMIM 613014.

Allele frequency attached by ClinVar (database versions not stated): TOPMed below 0.00001; gnomAD 0.00001.
gnomAD v4.1: 13 of 1,614,094 alleles (0.00081%); highest among the groups gnomAD compares: African/African-American, 0.0013%; no homozygotes.

Submissions (2):

Ambry Genetics
Classification: Uncertain significance for Hereditary cancer-predisposing syndrome. Last evaluated: 2025-07-10. Review status: criteria provided, single submitter. Criteria: Ambry Variant Classification Scheme 2023. Collection method: clinical testing. Allele origin: germline.
Comment: The p.V1013L variant (also known as c.3037G>T), located in coding exon 18 of the ALK gene, results from a G to T substitution at nucleotide position 3037. The valine at codon 1013 is replaced by leucine, an amino acid with highly similar properties. This amino acid position is conserved. In addition, this alteration is predicted to be tolerated by in silico analysis. Based on the available evidence, the clinical significance of this variant remains unclear.

Labcorp Genetics (formerly Invitae), Labcorp
Classification: Uncertain significance for Neuroblastoma, susceptibility to, 3. Last evaluated: 2024-04-10. Review status: criteria provided, single submitter. Criteria: Invitae Variant Classification Sherloc (09022015). Collection method: clinical testing. Allele origin: germline.
Comment: This sequence change replaces valine, which is neutral and non-polar, with leucine, which is neutral and non-polar, at codon 1013 of the ALK protein (p.Val1013Leu). This variant is present in population databases (rs776510871, gnomAD 0.0009%). This variant has not been reported in the literature in individuals affected with ALK-related conditions. ClinVar contains an entry for this variant (Variation ID: 1986549). An algorithm developed to predict the effect of missense changes on protein structure and function (PolyPhen-2) suggests that this variant is likely to be tolerated. In summary, the available evidence is currently insufficient to determine the role of this variant in disease. Therefore, it has been classified as a Variant of Uncertain Significance.